The following is an entry in ClinVar:

ClinVar aggregate classification (germline): Uncertain significance (1 of 4 stars; one submission).

Conditions:
Familial cancer of breast. Also called: hereditary breast carcinoma; BREAST CANCER, FAMILIAL; Hereditary breast cancer. Identifiers: Orphanet 227535, MedGen C0346153, MONDO:0016419, OMIM 114480. Disease mechanism: loss of function.

Submission:

Labcorp Genetics (formerly Invitae), Labcorp
Classification: Uncertain significance for Familial cancer of breast. Last evaluated: 2023-02-20. Review status: criteria provided, single submitter. Criteria: Invitae Variant Classification Sherloc (09022015). Collection method: clinical testing. Allele origin: germline.
Comment: This variant, c.415_417del, results in the deletion of 1 amino acid(s) of the CHEK2 protein (p.Tyr139del), but otherwise preserves the integrity of the reading frame. This variant is not present in population databases (gnomAD no frequency). This variant has not been reported in the literature in individuals affected with CHEK2-related conditions. In summary, the available evidence is currently insufficient to determine the role of this variant in disease. Therefore, it has been classified as a Variant of Uncertain Significance. Experimental studies and prediction algorithms are not available or were not evaluated, and the functional significance of this variant is currently unknown.

NM_007194.4(CHEK2):c.415_417del (p.Tyr139del)

Gene: CHEK2 (checkpoint kinase 2; minus strand). Cytogenetic location: 22q12.1.
Variant type: Deletion.
Coding change: c.415_417del on transcript NM_007194.4 (MANE Select); coding-DNA positions 415 to 417, 3 bases deleted (TAC; older notation c.415_417delTAC).
Protein change: p.Tyr139del; deletes tyrosine 139.
Molecular consequence: inframe deletion. On other transcripts: inframe indel (3).
Genome position (GRCh38, 1-based): chr22:28,725,270-28,725,272, GTA deleted on the plus strand (TAC on the coding strand, the reverse complement: CHEK2 is on the minus strand). VCF-style (leftmost placement, unchanged base first): chr22-28725269-TGTA-T. GRCh37 (hg19) VCF-style: chr22-29121257-TGTA-T.
Other names: c.544_546delTAC, p.Tyr182del (NM_001005735.3); c.-363_-361delTAC (NM_001257387.3); c.415_417delTAC, p.Tyr139del (NM_001349956.3, NM_145862.3); short protein forms Y182del, Y139del.
Identifiers: ClinVar variation 2839086 (VCV002839086.3), dbSNP rs2518058762, ClinGen allele CA2739265683.